The following is an entry in ClinVar:

NC_000016.9:g.(?_23614634)_(23634461_?)del

Gene: PALB2 (partner and localizer of BRCA2; minus strand). Cytogenetic location: 16p12.2.
Variant type: Deletion.
Identifiers: ClinVar variation 3243351 (VCV003243351.1).

ClinVar aggregate classification (germline): Pathogenic (1 of 4 stars; one submission).

Conditions:
Familial cancer of breast. Also called: BREAST CANCER, FAMILIAL; Hereditary breast cancer; hereditary breast carcinoma. Identifiers: Orphanet 227535, MedGen C0346153, MONDO:0016419, OMIM 114480. Disease mechanism: loss of function.

Submission:

Labcorp Genetics (formerly Invitae), Labcorp
Classification: Pathogenic for Familial cancer of breast. Last evaluated: 2023-11-15. Review status: criteria provided, single submitter. Criteria: Invitae Variant Classification Sherloc (09022015). Collection method: clinical testing. Allele origin: unknown.
Comment: This variant is a gross deletion of the genomic region encompassing exon(s) 9-13 of the PALB2 gene, which includes the termination codon. This deletion extends beyond the assayed region for this gene and therefore may encompass additional genes. While this deletion is not anticipated to lead to nonsense mediated decay, it is expected to alter mRNA translation or result in a truncated protein product. This variant has not been reported in the literature in individuals affected with PALB2-related conditions. This variant disrupts a region of the PALB2 protein in which other variant(s) (p.Tyr1183*) have been determined to be pathogenic (PMID: 17200671, 20927582, 21165770, 21365267, 26283626, 26296701). This suggests that this is a clinically significant region of the protein, and that variants that disrupt it are likely to be disease-causing. For these reasons, this variant has been classified as Pathogenic.

Literature cited by the submitters: PubMed 17200671; PubMed 20927582; PubMed 21165770; PubMed 21365267; PubMed 26283626; PubMed 26296701.